The following is an entry in ClinVar:

ClinVar aggregate classification (germline): Pathogenic (1 of 4 stars; one submission).

Conditions:
Generalized epilepsy with febrile seizures plus, type 7 (GEFSP7). Also called: GEFS+, TYPE 7. Identifiers: Orphanet 36387, MedGen C2751778, MONDO:0013470, OMIM 613863.
Neuropathy, hereditary sensory and autonomic, type 2A (HSAN2A). Also called: MORVAN DISEASE; NEUROPATHY, CONGENITAL SENSORY; NEUROPATHY, HEREDITARY SENSORY RADICULAR, AUTOSOMAL RECESSIVE; NEUROPATHY, HEREDITARY SENSORY, TYPE IIA; NEUROPATHY, PROGRESSIVE SENSORY, OF CHILDREN; WNK1-Related HSAN2 (HSAN2A). Identifiers: Orphanet 970, MedGen C2752089, MONDO:0024309, OMIM 201300.

Allele frequency attached by ClinVar (database versions not stated): TOPMed below 0.00001.

Submission:

Labcorp Genetics (formerly Invitae), Labcorp
Classification: Pathogenic for Neuropathy, hereditary sensory and autonomic, type 2A; Generalized epilepsy with febrile seizures plus, type 7. Last evaluated: 2020-10-12. Review status: criteria provided, single submitter. Criteria: Invitae Variant Classification Sherloc (09022015). Collection method: clinical testing. Allele origin: germline.
Comment: For these reasons, this variant has been classified as Pathogenic. This variant disrupts the C-terminus of the SCN9A protein. Other variant(s) that disrupt this region (p.Glu1773Glyfs*14) have been determined to be pathogenic (PMID: 25253744). This suggests that variants that disrupt this region of the protein are likely to be causative of disease. Algorithms developed to predict the effect of sequence changes on RNA splicing suggest that this variant may create or strengthen a splice site, but this prediction has not been confirmed by published transcriptional studies. This variant has not been reported in the literature in individuals with SCN9A-related conditions. This variant is not present in population databases (ExAC no frequency). This sequence change results in a premature translational stop signal in the SCN9A gene (p.Tyr1657*). While this is not anticipated to result in nonsense mediated decay, it is expected to disrupt the last 321 amino acids of the SCN9A protein.

Literature cited by the submitters: PubMed 25253744.

NM_001365536.1(SCN9A):c.5004T>A (p.Tyr1668Ter)

Genes: SCN1A-AS1 (SCN1A and SCN9A antisense RNA 1; plus strand), SCN9A (sodium voltage-gated channel alpha subunit 9; minus strand). Cytogenetic location: 2q24.3.
Variant type: single nucleotide variant.
Coding change: c.5004T>A on transcript NM_001365536.1 (MANE Select); coding-DNA position 5004, T replaced by A.
Protein change: p.Tyr1668Ter; replaces tyrosine 1668 with a stop codon.
Molecular consequence: nonsense.
Genome position (GRCh38, 1-based): chr2:166,199,635, A>T on the plus strand (T>A on the coding strand, the complement: SCN9A is on the minus strand). VCF-style: chr2-166199635-A-T. GRCh37 (hg19) VCF-style: chr2-167056145-A-T.
Other names: c.4971T>A, p.Tyr1657Ter (NM_002977.4); short protein forms Y1657*, Y1668*.
Identifiers: ClinVar variation 1069309 (VCV001069309.9), dbSNP rs1693383784, ClinGen allele CA349054938.